The following is an entry in ClinVar:

ClinVar aggregate classification (germline): Uncertain significance. Review status: criteria provided, multiple submitters, no conflicts (2 of 4 stars). 2 submissions from 2 submitters: Uncertain significance (2). Last evaluated 2025-01-03.

Conditions:
Inborn genetic diseases. Identifiers: MedGen C0950123, MeSH D030342.

Allele frequency attached by ClinVar (database versions not stated): gnomAD 0.00001; gnomAD exomes 0.00001; TOPMed 0.00001.

Submissions (2):

Ambry Genetics
Classification: Uncertain significance for Inborn genetic diseases. Last evaluated: 2025-01-03. Review status: criteria provided, single submitter. Criteria: Ambry Variant Classification Scheme 2023. Collection method: clinical testing. Allele origin: germline.

Labcorp Genetics (formerly Invitae), Labcorp
Classification: Uncertain significance. Last evaluated: 2022-07-15. Review status: criteria provided, single submitter. Criteria: Invitae Variant Classification Sherloc (09022015). Collection method: clinical testing. Allele origin: germline.
Comment: In summary, the available evidence is currently insufficient to determine the role of this variant in disease. Therefore, it has been classified as a Variant of Uncertain Significance. Algorithms developed to predict the effect of missense changes on protein structure and function output the following: SIFT: "Tolerated"; PolyPhen-2: "Not Available"; Align-GVGD: "Class C0". The valine amino acid residue is found in multiple mammalian species, which suggests that this missense change does not adversely affect protein function. This variant has not been reported in the literature in individuals affected with GIPC3-related conditions. This variant is not present in population databases (gnomAD no frequency). This sequence change replaces alanine, which is neutral and non-polar, with valine, which is neutral and non-polar, at codon 33 of the GIPC3 protein (p.Ala33Val).

NM_133261.3(GIPC3):c.98C>T (p.Ala33Val)

Gene: GIPC3 (GIPC PDZ domain containing family member 3; plus strand). Cytogenetic location: 19p13.3.
Variant type: single nucleotide variant.
Coding change: c.98C>T on transcript NM_133261.3 (MANE Select); coding-DNA position 98, C replaced by T.
Protein change: p.Ala33Val; replaces alanine 33 with valine.
Molecular consequence: missense variant.
Genome position (GRCh38, 1-based): chr19:3,585,695, C>T. VCF-style: chr19-3585695-C-T. GRCh37 (hg19) VCF-style: chr19-3585693-C-T.
Other names: c.98C>T, p.Ala33Val (NM_001411144.1); c.98C>T (NM_133261.2); short protein forms A33V.
Identifiers: ClinVar variation 2420288 (VCV002420288.5), dbSNP rs1244664594, ClinGen allele CA403359992.